The following is an entry in ClinVar:

NM_016239.4(MYO15A):c.8341G>C (p.Gly2781Arg)

Gene: MYO15A (myosin XVA; plus strand). Cytogenetic location: 17p11.2.
Variant type: single nucleotide variant.
Coding change: c.8341G>C on transcript NM_016239.4 (MANE Select); coding-DNA position 8341, G replaced by C.
Protein change: p.Gly2781Arg; replaces glycine 2781 with arginine.
Molecular consequence: missense variant.
Genome position (GRCh38, 1-based): chr17:18,155,314, G>C. VCF-style: chr17-18155314-G-C. GRCh37 (hg19) VCF-style: chr17-18058628-G-C.
Other names: short protein forms G2781R.
Identifiers: ClinVar variation 449997 (VCV000449997.2), dbSNP rs1555546717, ClinGen allele CA398626561.

ClinVar aggregate classification (germline): Likely pathogenic (1 of 4 stars; one submission).

Allele frequency attached by ClinVar (database versions not stated): gnomAD exomes below 0.00001.
gnomAD v4.1: 1 of 1,613,794 alleles (0.000062%); highest among the groups gnomAD compares: Non-Finnish European, 0.000085%; no homozygotes.

Submission:

GeneDx
Classification: Likely pathogenic. Last evaluated: 2017-06-22. Review status: criteria provided, single submitter. Criteria: GeneDx Variant Classification (06012015). Collection method: clinical testing. Allele origin: germline. Affected: yes.
Comment: The c.8341 G>C variant in the MYO15A gene has not been reported previously as a pathogenic variant, nor as a benign variant, to our knowledge. The c.8341 G>C variant is not observed in large population cohorts (Lek et al., 2016; 1000 Genomes Consortium et al., 2015; Exome Variant Server). In-silico splice models predict that c.8341 G>C may damage the natural splice acceptor site in intron 46. However, in the absence of RNA/functional studies, the actual effect of the c.8341 G>C change in this individual is unknown. If c.8341 G>C does not alter splicing, it will result in the G2781R missense change. The G2781R variant is a non-conservative amino acid substitution, which is likely to impact secondary protein structure as these residues differ in polarity, charge, size and/or other properties. This substitution occurs at a position that is conserved across species. In silico analysis predicts this missense variant is probably damaging to the protein structure/function. We interpret c.8341 G>C as a likely pathogenic variant.